The following is an entry in ClinVar:

NM_001130823.3(DNMT1):c.886G>A (p.Glu296Lys)

Gene: DNMT1 (DNA methyltransferase 1; minus strand). Cytogenetic location: 19p13.2.
Variant type: single nucleotide variant.
Coding change: c.886G>A on transcript NM_001130823.3 (MANE Select); coding-DNA position 886, G replaced by A.
Protein change: p.Glu296Lys; replaces glutamic acid 296 with lysine.
Molecular consequence: missense variant.
Genome position (GRCh38, 1-based): chr19:10,166,603, C>T on the plus strand (G>A on the coding strand, the complement: DNMT1 is on the minus strand). VCF-style: chr19-10166603-C-T. GRCh37 (hg19) VCF-style: chr19-10277279-C-T.
Other names: c.838G>A, p.Glu280Lys (NM_001318730.2, NM_001379.4); c.523G>A, p.Glu175Lys (NM_001318731.2); short protein forms E296K, E175K, E280K.
Identifiers: ClinVar variation 889424 (VCV000889424.14), dbSNP rs891770194, ClinGen allele CA305178410.

ClinVar aggregate classification (germline): Uncertain significance. Review status: criteria provided, multiple submitters, no conflicts (2 of 4 stars). 3 submissions from 3 submitters: Uncertain significance (3). Last evaluated 2025-07-30.

Conditions:
Inborn genetic diseases. Identifiers: MedGen C0950123, MeSH D030342.
Hereditary sensory neuropathy-deafness-dementia syndrome. Also called: Hereditary sensory neuropathy type IE; HSN IE; NEUROPATHY, HEREDITARY SENSORY, WITH HEARING LOSS AND DEMENTIA; Hereditary Sensory and Autonomic Neuropathy Type 1E (HSAN1E). Identifiers: Orphanet 456318, MedGen C3279885, MONDO:0013584, OMIM 614116.
Autosomal dominant cerebellar ataxia, deafness and narcolepsy. Also called: Autosomal Dominant Cerebellar Ataxia, Deafness, and Narcolepsy (ADCA-DN). Identifiers: Orphanet 314404, MedGen C4302668, MONDO:0011397, OMIM 604121.

Allele frequency attached by ClinVar (database versions not stated): gnomAD exomes below 0.00001 and 0.00001; TOPMed 0.00002; gnomAD 0.00003.
gnomAD v4.1: 25 of 1,614,018 alleles (0.0015%); highest among the groups gnomAD compares: Middle Eastern, 0.016%; no homozygotes.

Submissions (3):

Labcorp Genetics (formerly Invitae), Labcorp
Classification: Uncertain significance for Hereditary sensory neuropathy-deafness-dementia syndrome. Last evaluated: 2025-07-30. Review status: criteria provided, single submitter. Criteria: Invitae Variant Classification Sherloc (09022015). Collection method: clinical testing. Allele origin: germline.
Comment: This sequence change replaces glutamic acid, which is acidic and polar, with lysine, which is basic and polar, at codon 296 of the DNMT1 protein (p.Glu296Lys). This variant is present in population databases (no rsID available, gnomAD 0.002%). This variant has not been reported in the literature in individuals affected with DNMT1-related conditions. ClinVar contains an entry for this variant (Variation ID: 889424). An algorithm developed to predict the effect of missense changes on protein structure and function outputs the following: PolyPhen-2: "Benign". The lysine amino acid residue is found in multiple mammalian species, which suggests that this missense change does not adversely affect protein function. In summary, the available evidence is currently insufficient to determine the role of this variant in disease. Therefore, it has been classified as a Variant of Uncertain Significance.

Ambry Genetics
Classification: Uncertain significance for Inborn genetic diseases. Last evaluated: 2022-07-11. Review status: criteria provided, single submitter. Criteria: Ambry Variant Classification Scheme 2023. Collection method: clinical testing. Allele origin: germline.
Comment: The p.E280K variant (also known as c.838G>A), located in coding exon 10 of the DNMT1 gene, results from a G to A substitution at nucleotide position 838. The glutamic acid at codon 280 is replaced by lysine, an amino acid with similar properties. This amino acid position is not well conserved in available vertebrate species. In addition, this alteration is predicted to be tolerated by in silico analysis. Since supporting evidence is limited at this time, the clinical significance of this alteration remains unclear.

Illumina Laboratory Services, Illumina
Classification: Uncertain significance for Hereditary sensory neuropathy-deafness-dementia syndrome. Last evaluated: 2018-01-12. Review status: criteria provided, single submitter. Criteria: ICSL Variant Classification Criteria 13 December 2019. Collection method: clinical testing. Allele origin: germline.